The following is an entry in ClinVar:

NM_022552.5(DNMT3A):c.2062C>T (p.Arg688Cys)

Gene: DNMT3A (DNA methyltransferase 3 alpha; minus strand). Cytogenetic location: 2p23.3.
Variant type: single nucleotide variant.
Coding change: c.2062C>T on transcript NM_022552.5 (MANE Select); coding-DNA position 2062, C replaced by T.
Protein change: p.Arg688Cys; replaces arginine 688 with cysteine.
Molecular consequence: missense variant. On other transcripts: non-coding transcript variant (1).
Genome position (GRCh38, 1-based): chr2:25,241,582, G>A on the plus strand (C>T on the coding strand, the complement: DNMT3A is on the minus strand). VCF-style: chr2-25241582-G-A. GRCh37 (hg19) VCF-style: chr2-25464451-G-A.
Other names: c.1606C>T, p.Arg536Cys (NM_001320893.1); c.1393C>T, p.Arg465Cys (NM_001375819.1); c.1495C>T, p.Arg499Cys (NM_153759.3); c.2062C>T, p.Arg688Cys (NM_175629.2); short protein forms R465C, R499C, R536C, R688C.
Identifiers: ClinVar variation 1213713 (VCV001213713.10), dbSNP rs1484795800, ClinGen allele CA346071185.

ClinVar aggregate classification (germline): Uncertain significance. Review status: criteria provided, multiple submitters, no conflicts (2 of 4 stars). 3 submissions from 3 submitters: Uncertain significance (2). 1 of the submissions does not count toward it. Last evaluated 2021-10-22.

Conditions:
DNMT3A-related disorder. Also called: DNMT3A-related disorders; DNMT3A-related condition.
Tatton-Brown-Rahman overgrowth syndrome. Also called: Tall stature-intellectual disability-facial dysmorphism syndrome; Tatton-Brown-Rahman syndrome. Identifiers: Orphanet 404443, MedGen C4014545, MONDO:0014382, OMIM 615879.

Allele frequency attached by ClinVar (database versions not stated): TOPMed below 0.00001.

Submissions (3):

Labcorp Genetics (formerly Invitae), Labcorp
Classification: Uncertain significance for Tatton-Brown-Rahman overgrowth syndrome. Last evaluated: 2021-10-22. Review status: criteria provided, single submitter. Criteria: Invitae Variant Classification Sherloc (09022015). Collection method: clinical testing. Allele origin: germline.
Comment: This sequence change replaces arginine, which is basic and polar, with cysteine, which is neutral and slightly polar, at codon 688 of the DNMT3A protein (p.Arg688Cys). The frequency data for this variant in the population databases is considered unreliable, as metrics indicate poor data quality at this position in the gnomAD database. This variant has not been reported in the literature in individuals affected with DNMT3A-related conditions. Algorithms developed to predict the effect of missense changes on protein structure and function are either unavailable or do not agree on the potential impact of this missense change (SIFT: "Deleterious"; PolyPhen-2: "Probably Damaging"; Align-GVGD: "Class C0"). In summary, the available evidence is currently insufficient to determine the role of this variant in disease. Therefore, it has been classified as a Variant of Uncertain Significance.

New York Genome Center
Classification: Uncertain significance for Tatton-Brown-Rahman overgrowth syndrome. Last evaluated: 2020-09-23. Review status: criteria provided, single submitter. Criteria: NYGC Assertion Criteria 2020. Collection method: clinical testing. Allele origin: germline. Observed: 1 heterozygote. Study: CSER-NYCKidSeq.
Comment: The c.2062C>T, p.Arg688Cys missense variant identified in the DNMT3A gene has not been reported in the literature associated with Tatton-Brown-Rahman syndrome (AD, MIM#615879). This variant has been reported in one individual in the gnomAD v3.1database, indicating this is not a common benign variant and in silico analysis predicts a deleterious effect (PMID:27268795). Based on the available evidence, the variant c.2062C>T, p.Arg688Cys in the DNMT3A gene is classified as a Variant of Uncertain Significance.

PreventionGenetics, part of Exact Sciences
Classification: Uncertain significance for DNMT3A-related condition. Last evaluated: 2024-08-15. Review status: no assertion criteria provided. Collection method: clinical testing. Allele origin: germline. Not counted in ClinVar's aggregate classification.
Comment: The DNMT3A c.2062C>T variant is predicted to result in the amino acid substitution p.Arg688Cys. This variant was reported in an individual with Tatton-Brown-Rahman syndrome (TBRS); however, detailed clinical information of the individual was not provided (Supplementary table S1 in Levy et al 2022. PubMed ID: 35904121). This variant has not been reported in a large population database, indicating this variant is rare. At this time, the clinical significance of this variant is uncertain due to the absence of conclusive functional and genetic evidence.